The following is an entry in ClinVar:

NM_000553.6(WRN):c.3607G>A (p.Gly1203Ser)

Gene: WRN (WRN RecQ like helicase; plus strand). Cytogenetic location: 8p12.
Variant type: single nucleotide variant.
Coding change: c.3607G>A on transcript NM_000553.6 (MANE Select); coding-DNA position 3607, G replaced by A.
Protein change: p.Gly1203Ser; replaces glycine 1203 with serine.
Molecular consequence: missense variant.
Genome position (GRCh38, 1-based): chr8:31,150,375, G>A. VCF-style: chr8-31150375-G-A. GRCh37 (hg19) VCF-style: chr8-31007891-G-A.
Other names: short protein forms G1203S.
Identifiers: ClinVar variation 937711 (VCV000937711.5), dbSNP rs1803073662, ClinGen allele CA370927541.

ClinVar aggregate classification (germline): Uncertain significance (1 of 4 stars; one submission).

Conditions:
Werner syndrome (WRN). Identifiers: Orphanet 902, MedGen C0043119, MONDO:0010196, OMIM 277700.

Submission:

Labcorp Genetics (formerly Invitae), Labcorp
Classification: Uncertain significance for Werner syndrome. Last evaluated: 2019-06-19. Review status: criteria provided, single submitter. Criteria: Invitae Variant Classification Sherloc (09022015). Collection method: clinical testing. Allele origin: germline.
Comment: This variant has not been reported in the literature in individuals with WRN-related conditions. This variant is not present in population databases (ExAC no frequency). This sequence change replaces glycine with serine at codon 1203 of the WRN protein (p.Gly1203Ser). The glycine residue is highly conserved and there is a small physicochemical difference between glycine and serine. In summary, the available evidence is currently insufficient to determine the role of this variant in disease. Therefore, it has been classified as a Variant of Uncertain Significance. Algorithms developed to predict the effect of missense changes on protein structure and function are either unavailable or do not agree on the potential impact of this missense change (SIFT: "Tolerated"; PolyPhen-2: "Probably Damaging"; Align-GVGD: "Class C0").